The following is an entry in ClinVar:

NM_004656.4(BAP1):c.2061G>C (p.Met687Ile)

Gene: BAP1 (BRCA1 associated deubiquitinase 1; minus strand). Cytogenetic location: 3p21.1.
Variant type: single nucleotide variant.
Coding change: c.2061G>C on transcript NM_004656.4 (MANE Select); coding-DNA position 2061, G replaced by C.
Protein change: p.Met687Ile; replaces methionine 687 with isoleucine.
Molecular consequence: missense variant.
Genome position (GRCh38, 1-based): chr3:52,402,417, C>G on the plus strand (G>C on the coding strand, the complement: BAP1 is on the minus strand). VCF-style: chr3-52402417-C-G. GRCh37 (hg19) VCF-style: chr3-52436433-C-G.
Other names: short protein forms M687I.
Identifiers: ClinVar variation 863166 (VCV000863166.14), dbSNP rs757553269, ClinGen allele CA74739887.
Genomic context (GRCh38, chr3:52,402,417, plus strand): 5'-GCCGATGCTGACCCCTTGGCGCCGCCGCACGGAGATGTTCTGCTCCACTAGGTTGGCCAG[C>G]ATGCCTGCGAAGAGGTAGAGACCCTTGAGCAGGTGCTGGCTGCCTCAGGCCAGGAGCTGA-3'
Protein context (NP_004647.1, residues 677-697): TFISMLAQEG[Met687Ile]LANLVEQNIS

ClinVar aggregate classification (germline): Uncertain significance. Review status: criteria provided, multiple submitters, no conflicts (2 of 4 stars). 3 submissions from 3 submitters: Uncertain significance (3). Last evaluated 2025-07-17.

Conditions:
BAP1-related tumor predisposition syndrome (TPDS1). Also called: COMMON Syndrome; Tumor susceptibility linked to germline BAP1 mutations; TUMOR PREDISPOSITION SYNDROME 1; BAP1 tumor predisposition syndrome. Identifiers: Orphanet 289539, MedGen C3280492, MONDO:0013692, OMIM 614327.
Hereditary cancer-predisposing syndrome. Also called: Hereditary Cancer Syndrome; Tumor predisposition; Neoplastic Syndromes, Hereditary; Hereditary neoplastic syndrome. Identifiers: Orphanet 140162, MedGen C0027672, MeSH D009386, MONDO:0015356.

Allele frequency attached by ClinVar (database versions not stated): gnomAD exomes below 0.00001; TOPMed below 0.00001.
gnomAD v4.1: 3 of 1,567,056 alleles (0.00019%); highest among the groups gnomAD compares: Non-Finnish European, 0.00026%; no homozygotes.

Submissions (3):

Ambry Genetics
Classification: Uncertain significance for Hereditary cancer-predisposing syndrome. Last evaluated: 2025-07-17. Review status: criteria provided, single submitter. Criteria: Ambry Variant Classification Scheme 2023. Collection method: clinical testing. Allele origin: germline.
Comment: The p.M687I variant (also known as c.2061G>C), located in coding exon 17 of the BAP1 gene, results from a G to C substitution at nucleotide position 2061. The methionine at codon 687 is replaced by isoleucine, an amino acid with highly similar properties. This amino acid position is highly conserved in available vertebrate species. In addition, this alteration is predicted to be tolerated by in silico analysis. Based on the available evidence, the clinical significance of this variant remains unclear.

Labcorp Genetics (formerly Invitae), Labcorp
Classification: Uncertain significance for BAP1-related tumor predisposition syndrome. Last evaluated: 2024-05-06. Review status: criteria provided, single submitter. Criteria: Invitae Variant Classification Sherloc (09022015). Collection method: clinical testing. Allele origin: germline.
Comment: This sequence change replaces methionine, which is neutral and non-polar, with isoleucine, which is neutral and non-polar, at codon 687 of the BAP1 protein (p.Met687Ile). This variant is not present in population databases (gnomAD no frequency). This variant has not been reported in the literature in individuals affected with BAP1-related conditions. ClinVar contains an entry for this variant (Variation ID: 863166). Advanced modeling of protein sequence and biophysical properties (such as structural, functional, and spatial information, amino acid conservation, physicochemical variation, residue mobility, and thermodynamic stability) performed at Invitae indicates that this missense variant is not expected to disrupt BAP1 protein function with a negative predictive value of 80%. In summary, the available evidence is currently insufficient to determine the role of this variant in disease. Therefore, it has been classified as a Variant of Uncertain Significance.

Color Diagnostics, LLC DBA Color Health
Classification: Uncertain significance for Hereditary cancer-predisposing syndrome. Last evaluated: 2023-12-05. Review status: criteria provided, single submitter. Criteria: ACMG Guidelines, 2015. Collection method: clinical testing. Allele origin: germline.
Comment: This missense variant replaces methionine with isoleucine at codon 687 of the BAP1 protein. Computational prediction suggests that this variant may not impact protein structure and function (internally defined REVEL score threshold <= 0.5, PMID: 27666373). To our knowledge, functional studies have not been reported for this variant. This variant has not been reported in individuals affected with BAP1-related disorders in the literature. This variant has not been identified in the general population by the Genome Aggregation Database (gnomAD). The available evidence is insufficient to determine the role of this variant in disease conclusively. Therefore, this variant is classified as a Variant of Uncertain Significance.